The following is an entry in ClinVar:

NM_002133.3(HMOX1):c.21C>G (p.Asp7Glu)

Gene: HMOX1 (heme oxygenase 1; plus strand). Cytogenetic location: 22q12.3.
Variant type: single nucleotide variant.
Coding change: c.21C>G on transcript NM_002133.3 (MANE Select); coding-DNA position 21, C replaced by G.
Protein change: p.Asp7Glu; replaces aspartic acid 7 with glutamic acid.
Molecular consequence: missense variant.
Genome position (GRCh38, 1-based): chr22:35,381,194, C>G. VCF-style: chr22-35381194-C-G. GRCh37 (hg19) VCF-style: chr22-35777187-C-G.
Other names: short protein forms D7E.
Identifiers: ClinVar variation 2109104 (VCV002109104.4), dbSNP rs1483623337, ClinGen allele CA411351111.

ClinVar aggregate classification (germline): Uncertain significance (1 of 4 stars; one submission).

gnomAD v4.1: 1 of 1,547,516 alleles (0.000065%); highest among the groups gnomAD compares: Admixed American, 0.0019%; no homozygotes.

Submission:

Labcorp Genetics (formerly Invitae), Labcorp
Classification: Uncertain significance. Last evaluated: 2022-10-11. Review status: criteria provided, single submitter. Criteria: Invitae Variant Classification Sherloc (09022015). Collection method: clinical testing. Allele origin: germline.
Comment: Algorithms developed to predict the effect of sequence changes on RNA splicing suggest that this variant may create or strengthen a splice site. In summary, the available evidence is currently insufficient to determine the role of this variant in disease. Therefore, it has been classified as a Variant of Uncertain Significance. Algorithms developed to predict the effect of missense changes on protein structure and function (SIFT, PolyPhen-2, Align-GVGD) all suggest that this variant is likely to be tolerated. This variant has not been reported in the literature in individuals affected with HMOX1-related conditions. This variant is present in population databases (no rsID available, gnomAD 0.004%). This sequence change replaces aspartic acid, which is acidic and polar, with glutamic acid, which is acidic and polar, at codon 7 of the HMOX1 protein (p.Asp7Glu).